The following is an entry in ClinVar:

ClinVar aggregate classification (germline): Uncertain significance. Review status: criteria provided, multiple submitters, no conflicts (2 of 4 stars). 3 submissions from 3 submitters: Uncertain significance (3). Last evaluated 2026-01-11.

Conditions:
Ciliary dyskinesia, primary, 37 (CILD37). Also called: CILIARY DYSKINESIA, PRIMARY, 37, WITH OR WITHOUT SITUS INVERSUS. Identifiers: MedGen C4539798, MONDO:0033204, OMIM 617577.
Spermatogenic failure 18. Identifiers: MedGen C4539783, MONDO:0054615, OMIM 617576.
DNAH1-related disorder. Also called: DNAH1-related condition.

Allele frequency attached by ClinVar (database versions not stated): gnomAD 0.00007 and 0.00008; ExAC 0.00010; gnomAD exomes 0.00012; TOPMed 0.00012; ESP Exome Variant Server 0.00016; 1000 Genomes Project 0.00040; 1000 Genomes Project 30x 0.00062.
gnomAD v4.1: 203 of 1,604,692 alleles (0.013%); highest among the groups gnomAD compares: Middle Eastern, 0.12%; no homozygotes.

Submissions (3):

Labcorp Genetics (formerly Invitae), Labcorp
Classification: Uncertain significance for Ciliary dyskinesia, primary, 37; Spermatogenic failure 18. Last evaluated: 2026-01-11. Review status: criteria provided, single submitter. Criteria: Invitae Variant Classification Sherloc (09022015). Collection method: clinical testing. Allele origin: germline.
Comment: This sequence change replaces aspartic acid, which is acidic and polar, with asparagine, which is neutral and polar, at codon 3440 of the DNAH1 protein (p.Asp3440Asn). This variant is present in population databases (rs376059846, gnomAD 0.02%). This variant has not been reported in the literature in individuals affected with DNAH1-related conditions. ClinVar contains an entry for this variant (Variation ID: 939926). Invitae Evidence Modeling of protein sequence and biophysical properties (such as structural, functional, and spatial information, amino acid conservation, physicochemical variation, residue mobility, and thermodynamic stability) indicates that this missense variant is not expected to disrupt DNAH1 protein function with a negative predictive value of 80%. In summary, the available evidence is currently insufficient to determine the role of this variant in disease. Therefore, it has been classified as a Variant of Uncertain Significance.

PreventionGenetics, part of Exact Sciences
Classification: Uncertain significance for DNAH1-related condition. Last evaluated: 2025-12-19. Review status: criteria provided, single submitter. Criteria: ACMG Guidelines, 2015. Collection method: clinical testing. Allele origin: germline.
Comment: The DNAH1 c.10318G>A variant is predicted to result in the amino acid substitution p.Asp3440Asn. To our knowledge, this variant has not been reported in the literature. This variant is reported in 0.023% of alleles in individuals of Latino descent in gnomAD. At this time, the clinical significance of this variant is uncertain due to the absence of conclusive functional and genetic evidence.

Ambry Genetics
Classification: Uncertain significance. Last evaluated: 2021-08-12. Review status: criteria provided, single submitter. Criteria: Ambry Variant Classification Scheme 2023. Collection method: clinical testing. Allele origin: germline.

NM_015512.5(DNAH1):c.10318G>A (p.Asp3440Asn)

Gene: DNAH1 (dynein axonemal heavy chain 1; plus strand). Cytogenetic location: 3p21.1.
Variant type: single nucleotide variant.
Coding change: c.10318G>A on transcript NM_015512.5 (MANE Select); coding-DNA position 10318, G replaced by A.
Protein change: p.Asp3440Asn; replaces aspartic acid 3440 with asparagine.
Molecular consequence: missense variant.
Genome position (GRCh38, 1-based): chr3:52,392,869, G>A. VCF-style: chr3-52392869-G-A. GRCh37 (hg19) VCF-style: chr3-52426885-G-A.
Other names: short protein forms D3440N.
Identifiers: ClinVar variation 939926 (VCV000939926.8), dbSNP rs376059846, ClinGen allele CA2435801.